The following is an entry in ClinVar:

ClinVar aggregate classification (germline): Uncertain significance. Review status: criteria provided, single submitter (1 of 4 stars). 2 submissions from 2 submitters: Uncertain significance (1). 1 of the submissions does not count toward it. Last evaluated 2018-12-06.

Conditions:
Usher syndrome type 1B (USH1B). Also called: Usher syndrome type IB. Identifiers: MedGen C1848638, MONDO:0700087.

Allele frequency attached by ClinVar (database versions not stated): gnomAD exomes below 0.00001; gnomAD 0.00001.
gnomAD v4.1: 4 of 1,613,468 alleles (0.00025%); highest among the groups gnomAD compares: Non-Finnish European, 0.00034%; no homozygotes.

Submissions (2):

GeneDx
Classification: Uncertain significance. Last evaluated: 2018-12-06. Review status: criteria provided, single submitter. Criteria: GeneDx Variant Classification Process June 2021. Collection method: clinical testing. Allele origin: germline. Affected: yes.
Comment: In silico analysis, which includes protein predictors and evolutionary conservation, supports a deleterious effect; Has not been previously published as pathogenic or benign to our knowledge

Natera, Inc.
Classification: Uncertain significance for Usher syndrome type 1B. Last evaluated: 2020-08-11. Review status: no assertion criteria provided. Collection method: clinical testing. Allele origin: germline. Not counted in ClinVar's aggregate classification.

NM_000260.4(MYO7A):c.2084C>G (p.Ala695Gly)

Gene: MYO7A (myosin VIIA; plus strand). Cytogenetic location: 11q13.5.
Variant type: single nucleotide variant.
Coding change: c.2084C>G on transcript NM_000260.4 (MANE Select); coding-DNA position 2084, C replaced by G.
Protein change: p.Ala695Gly; replaces alanine 695 with glycine.
Molecular consequence: missense variant.
Genome position (GRCh38, 1-based): chr11:77,174,904, C>G. VCF-style: chr11-77174904-C-G. GRCh37 (hg19) VCF-style: chr11-76885950-C-G.
Other names: c.2084C>G, p.Ala695Gly (NM_001127180.2); c.2051C>G, p.Ala684Gly (NM_001369365.1); short protein forms A684G, A695G.
Identifiers: ClinVar variation 1214480 (VCV001214480.4), dbSNP rs1555079121, ClinGen allele CA381939552.